The following is an entry in ClinVar:

ClinVar aggregate classification (germline): Uncertain significance. Review status: criteria provided, multiple submitters, no conflicts (2 of 4 stars). 2 submissions from 2 submitters: Uncertain significance (2). Last evaluated 2026-01-11.

Conditions:
GLUT1 deficiency syndrome 1, autosomal recessive. Identifiers: MedGen C3149117.

Submissions (2):

Labcorp Genetics (formerly Invitae), Labcorp
Classification: Uncertain significance for GLUT1 deficiency syndrome 1, autosomal recessive. Last evaluated: 2026-01-11. Review status: criteria provided, single submitter. Criteria: Invitae Variant Classification Sherloc (09022015). Collection method: clinical testing. Allele origin: germline.
Comment: This sequence change replaces serine, which is neutral and polar, with phenylalanine, which is neutral and non-polar, at codon 265 of the SLC2A1 protein (p.Ser265Phe). This variant is not present in population databases (gnomAD no frequency). This variant has not been reported in the literature in individuals affected with SLC2A1-related conditions. ClinVar contains an entry for this variant (Variation ID: 2683711). Invitae Evidence Modeling of protein sequence and biophysical properties (such as structural, functional, and spatial information, amino acid conservation, physicochemical variation, residue mobility, and thermodynamic stability) indicates that this missense variant is expected to disrupt SLC2A1 protein function with a positive predictive value of 95%. In summary, the available evidence is currently insufficient to determine the role of this variant in disease. Therefore, it has been classified as a Variant of Uncertain Significance.

Mayo Clinic Laboratories, Mayo Clinic
Classification: Uncertain significance. Last evaluated: 2023-01-20. Review status: criteria provided, single submitter. Criteria: ACMG Guidelines, 2015. Collection method: clinical testing. Allele origin: germline. Observed: 1 variant allele.
Comment: PM2

NM_006516.4(SLC2A1):c.794C>T (p.Ser265Phe)

Gene: SLC2A1 (solute carrier family 2 member 1; minus strand). Cytogenetic location: 1p34.2.
Variant type: single nucleotide variant.
Coding change: c.794C>T on transcript NM_006516.4 (MANE Select); coding-DNA position 794, C replaced by T.
Protein change: p.Ser265Phe; replaces serine 265 with phenylalanine.
Molecular consequence: missense variant.
Genome position (GRCh38, 1-based): chr1:42,929,666, G>A on the plus strand (C>T on the coding strand, the complement: SLC2A1 is on the minus strand). VCF-style: chr1-42929666-G-A. GRCh37 (hg19) VCF-style: chr1-43395337-G-A.
Other names: p.Ser265Phe; short protein forms S265F.
Identifiers: ClinVar variation 2683711 (VCV002683711.4), dbSNP rs1643466133, ClinGen allele CA339957641.